The following is an entry in ClinVar:

ClinVar aggregate classification (germline): Uncertain significance (1 of 4 stars; one submission).

Conditions:
Parkinsonian-pyramidal syndrome. Also called: PARKINSON DISEASE 15, AUTOSOMAL RECESSIVE; PARKINSON DISEASE 15, AUTOSOMAL RECESSIVE EARLY-ONSET; PALLIDOPYRAMIDAL SYNDROME. Identifiers: Orphanet 171695, MedGen C1850100, MONDO:0009830, OMIM 260300.

Submission:

Labcorp Genetics (formerly Invitae), Labcorp
Classification: Uncertain significance for Parkinsonian-pyramidal syndrome. Last evaluated: 2022-07-16. Review status: criteria provided, single submitter. Criteria: Invitae Variant Classification Sherloc (09022015). Collection method: clinical testing. Allele origin: germline.
Comment: This sequence change replaces leucine, which is neutral and non-polar, with histidine, which is basic and polar, at codon 304 of the FBXO7 protein (p.Leu304His). This variant is not present in population databases (gnomAD no frequency). This variant has not been reported in the literature in individuals affected with FBXO7-related conditions. Algorithms developed to predict the effect of missense changes on protein structure and function are either unavailable or do not agree on the potential impact of this missense change (SIFT: "Deleterious"; PolyPhen-2: "Probably Damaging"; Align-GVGD: "Class C0"). In summary, the available evidence is currently insufficient to determine the role of this variant in disease. Therefore, it has been classified as a Variant of Uncertain Significance.

NM_012179.4(FBXO7):c.911T>A (p.Leu304His)

Gene: FBXO7 (F-box protein 7; plus strand). Cytogenetic location: 22q12.3.
Variant type: single nucleotide variant.
Coding change: c.911T>A on transcript NM_012179.4 (MANE Select); coding-DNA position 911, T replaced by A.
Protein change: p.Leu304His; replaces leucine 304 with histidine.
Molecular consequence: missense variant.
Genome position (GRCh38, 1-based): chr22:32,491,125, T>A. VCF-style: chr22-32491125-T-A. GRCh37 (hg19) VCF-style: chr22-32887112-T-A.
Other names: c.674T>A, p.Leu225His (NM_001033024.2); c.569T>A, p.Leu190His (NM_001257990.2); short protein forms L190H, L225H, L304H.
Identifiers: ClinVar variation 1928807 (VCV001928807.2), dbSNP rs2544665251, ClinGen allele CA411334117.